The following is an entry in ClinVar:

ClinVar aggregate classification (germline): Uncertain significance. Review status: criteria provided, single submitter (1 of 4 stars). 2 submissions from 1 submitter: Uncertain significance (1). 1 of the submissions does not count toward it. Last evaluated 2018-08-20.

Conditions:
Sotos syndrome (SOTOS). Also called: CHROMOSOME 5q35 DELETION SYNDROME; CEREBRAL GIGANTISM; Sotos' syndrome; SOTOS SYNDROME 1; Distinctive facial appearance, overgrowth in childhood, and learning disabilities or delayed development. Identifiers: Orphanet 821, MedGen C0175695, MONDO:0019349, OMIM 117550.

Allele frequency attached by ClinVar (database versions not stated): gnomAD exomes below 0.00001.
gnomAD v4.1: 1 of 1,613,984 alleles (0.000062%); no homozygotes.

Submissions (2):

Labcorp Genetics (formerly Invitae), Labcorp
Classification: Uncertain significance. Last evaluated: 2018-08-20. Review status: criteria provided, single submitter. Criteria: Invitae Variant Classification Sherloc (09022015). Collection method: clinical testing. Allele origin: germline.
Comment: In summary, the available evidence is currently insufficient to determine the role of this variant in disease. Therefore, it has been classified as a Variant of Uncertain Significance. Algorithms developed to predict the effect of missense changes on protein structure and function are either unavailable or do not agree on the potential impact of this missense change (SIFT: "Deleterious"; PolyPhen-2: "Probably Damaging"; Align-GVGD: "Class C0"). This variant has not been reported in the literature in individuals with NSD1-related disease. This variant is not present in population databases (ExAC no frequency). This sequence change replaces serine with phenylalanine at codon 1528 of the NSD1 protein (p.Ser1528Phe). The serine residue is moderately conserved and there is a large physicochemical difference between serine and phenylalanine.

Labcorp Genetics (formerly Invitae), Labcorp
Classification: Uncertain significance. Last evaluated: 2021-09-01. Review status: flagged submission. Criteria: Invitae Variant Classification Sherloc (09022015). Collection method: clinical testing. Allele origin: germline. Not counted in ClinVar's aggregate classification.
Comment: This sequence change replaces serine with phenylalanine at codon 1528 of the NSD1 protein (p.Ser1528Phe). The serine residue is moderately conserved and there is a large physicochemical difference between serine and phenylalanine. This variant is not present in population databases (ExAC no frequency). This variant has not been reported in the literature in individuals affected with NSD1-related conditions. Algorithms developed to predict the effect of missense changes on protein structure and function are either unavailable or do not agree on the potential impact of this missense change (SIFT: "Deleterious"; PolyPhen-2: "Probably Damaging"; Align-GVGD: "Class C0"). In summary, the available evidence is currently insufficient to determine the role of this variant in disease. Therefore, it has been classified as a Variant of Uncertain Significance.
ClinVar note: Reason: This record appears to be redundant with a more recent record from the same submitter.
ClinVar note: Notes: SCV001545833 appears to be redundant with SCV000936974.

NM_022455.5(NSD1):c.4583C>T (p.Ser1528Phe)

Gene: NSD1 (nuclear receptor binding SET domain protein 1; plus strand). Cytogenetic location: 5q35.3.
Variant type: single nucleotide variant.
Coding change: c.4583C>T on transcript NM_022455.5 (MANE Select); coding-DNA position 4583, C replaced by T.
Protein change: p.Ser1528Phe; replaces serine 1528 with phenylalanine.
Molecular consequence: missense variant.
Genome position (GRCh38, 1-based): chr5:177,248,266, C>T. VCF-style: chr5-177248266-C-T. GRCh37 (hg19) VCF-style: chr5-176675267-C-T.
Other names: c.3710C>T, p.Ser1237Phe (NM_001365684.2, NM_001409306.1, NM_001409307.1 and 3 more transcripts); c.4583C>T, p.Ser1528Phe (NM_001409301.1, NM_001409302.1, NM_001409303.1); c.4163C>T, p.Ser1388Phe (NM_001409304.1); c.3830C>T, p.Ser1277Phe (NM_001409305.1); short protein forms S1259F, S1528F, S1237F, S1388F, S1277F.
Identifiers: ClinVar variation 643659 (VCV000643659.9), dbSNP rs1581433960, ClinGen allele CA362349786.
Genomic context (GRCh38, chr5:177,248,266, plus strand): 5'-CCACAAGCCCCAAGGAGACTGTTGAGGAAGGTGTAGAACACGATCCCGGGATGCCTGCCT[C>T]TAAAAAAATGCAGGGTGAACGCGGTGGAGGAGCTGCACTCAAGGAGAATGTCTGTCAGGT-3'
Protein context (NP_071900.2, residues 1518-1538): GVEHDPGMPA[Ser1528Phe]KKMQGERGGG